The following is an entry in ClinVar:

ClinVar aggregate classification (germline): Likely pathogenic (1 of 4 stars; one submission).

Conditions:
X-linked Alport syndrome (ATS1). Also called: NEPHROPATHY AND DEAFNESS, X-LINKED; COL4A5-Related Nephropathy. Identifiers: Orphanet 63, Orphanet 88917, MedGen C4746986, MONDO:0010520, OMIM 301050.

Submission:

MVZ Medizinische Genetik Mainz
Classification: Likely pathogenic for X-linked Alport syndrome. Last evaluated: 2025-04-11. Review status: criteria provided, single submitter. Criteria: UK Practice Guidelines For Variant Classification V4 01 2020. Collection method: clinical testing. Allele origin: germline. Inheritance: X-linked dominant inheritance. Affected: yes. Observed: 1 variant allele.
Comment: ACMG Criteria: PVS1,PM2_SUP

NM_033380.3(COL4A5):c.4423C>T (p.Gln1475Ter)

Gene: COL4A5 (collagen type IV alpha 5 chain; plus strand). Cytogenetic location: Xq22.3.
Variant type: single nucleotide variant.
Coding change: c.4423C>T on transcript NM_033380.3 (MANE Select); coding-DNA position 4423, C replaced by T.
Protein change: p.Gln1475Ter; replaces glutamine 1475 with a stop codon.
Molecular consequence: nonsense.
Genome position (GRCh38, 1-based): chrX:108,687,589, C>T. VCF-style: chrX-108687589-C-T. GRCh37 (hg19) VCF-style: chrX-107930819-C-T.
Other names: c.4405C>T, p.Gln1469Ter (NM_000495.5); short protein forms Q1469*, Q1475*.
Identifiers: ClinVar variation 3894584 (VCV003894584.1).